The following is an entry in ClinVar:

NM_001164277.2(SLC37A4):c.127C>G (p.Pro43Ala)

Gene: SLC37A4 (solute carrier family 37 member 4; minus strand). Cytogenetic location: 11q23.3.
Variant type: single nucleotide variant.
Coding change: c.127C>G on transcript NM_001164277.2 (MANE Select); coding-DNA position 127, C replaced by G.
Protein change: p.Pro43Ala; replaces proline 43 with alanine.
Molecular consequence: missense variant. On other transcripts: intron variant (1).
Genome position (GRCh38, 1-based): chr11:119,029,243, G>C on the plus strand (C>G on the coding strand, the complement: SLC37A4 is on the minus strand). VCF-style: chr11-119029243-G-C. GRCh37 (hg19) VCF-style: chr11-118899953-G-C.
Other names: c.127C>G, p.Pro43Ala (NM_001164278.2, NM_001164280.2, NM_001467.6); c.-172+149C>G (NM_001164279.2); short protein forms P43A.
Identifiers: ClinVar variation 554944 (VCV000554944.4), dbSNP rs781846380, ClinGen allele CA382908134.

ClinVar aggregate classification (germline): Uncertain significance. Review status: criteria provided, single submitter (1 of 4 stars). 2 submissions from 2 submitters: Uncertain significance (1). 1 of the submissions does not count toward it. Last evaluated 2021-11-14.

Conditions:
Glucose-6-phosphate transport defect (GSD1B). Also called: Glycogen Storage Disease Type Ib; GSD Ib. Identifiers: Orphanet 364, Orphanet 79259, MedGen C0268146, MONDO:0009288, OMIM 232220.
Inborn genetic diseases. Identifiers: MedGen C0950123, MeSH D030342.

Submissions (2):

Ambry Genetics
Classification: Uncertain significance for Inborn genetic diseases. Last evaluated: 2021-11-14. Review status: criteria provided, single submitter. Criteria: Ambry Variant Classification Scheme 2023. Collection method: clinical testing. Allele origin: germline.
Comment: The p.P43A variant (also known as c.127C>G), located in coding exon 1 of the SLC37A4 gene, results from a C to G substitution at nucleotide position 127. The proline at codon 43 is replaced by alanine, an amino acid with highly similar properties. This amino acid position is conserved. In addition, this alteration is predicted to be tolerated by in silico analysis. Since supporting evidence is limited at this time, the clinical significance of this alteration remains unclear.

Counsyl
Classification: Uncertain significance for Glucose-6-phosphate transport defect. Last evaluated: 2017-11-09. Review status: no assertion criteria provided. Collection method: clinical testing. Allele origin: unknown. Not counted in ClinVar's aggregate classification.